The following is an entry in ClinVar:

NM_001001683.4(MED11):c.216+1G>T

Gene: MED11 (mediator complex subunit 11; plus strand). Cytogenetic location: 17p13.2.
Variant type: single nucleotide variant.
Coding change: c.216+1G>T on transcript NM_001001683.4 (MANE Select); the canonical splice donor site of the intron after coding-DNA position 216, G replaced by T.
Molecular consequence: splice donor variant.
Genome position (GRCh38, 1-based): chr17:4,731,907, G>T. VCF-style: chr17-4731907-G-T. GRCh37 (hg19) VCF-style: chr17-4635202-G-T.
Other names: c.216+1G>T (NM_001305000.2).
Identifiers: ClinVar variation 4850566 (VCV004850566.1).

ClinVar aggregate classification (germline): Likely pathogenic (1 of 4 stars; one submission).

Conditions:
Neurodegeneration with developmental delay, early respiratory failure, myoclonic seizures, and brain abnormalities (NDDRSB). Identifiers: MedGen C5830433, MONDO:0957225, OMIM 620327.

gnomAD v4.1: 5 of 1,613,504 alleles (0.00031%); highest among the groups gnomAD compares: East Asian, 0.0045%; no homozygotes.

Submission:

First Genomix Gene Laboratory, Genetic Diagnostics Department
Classification: Likely pathogenic for Neurodegeneration with developmental delay, early respiratory failure, myoclonic seizures, and brain abnormalities. Last evaluated: 2025-08-01. Review status: criteria provided, single submitter. Criteria: ACMG Guidelines, 2015. Collection method: clinical testing. Allele origin: germline. Inheritance: Autosomal recessive inheritance. Affected: no. Observed: 1 variant allele.